The following is an entry in ClinVar:

ClinVar aggregate classification (germline): Uncertain significance (1 of 4 stars; one submission).

Allele frequency attached by ClinVar (database versions not stated): gnomAD exomes below 0.00001; TOPMed below 0.00001.
gnomAD v4.1: 1 of 1,613,832 alleles (0.000062%); highest among the groups gnomAD compares: East Asian, 0.0022%; no homozygotes.

Submission:

Labcorp Genetics (formerly Invitae), Labcorp
Classification: Uncertain significance. Last evaluated: 2024-10-29. Review status: criteria provided, single submitter. Criteria: Invitae Variant Classification Sherloc (09022015). Collection method: clinical testing. Allele origin: germline.
Comment: This sequence change replaces histidine, which is basic and polar, with arginine, which is basic and polar, at codon 255 of the PDSS2 protein (p.His255Arg). This variant is present in population databases (no rsID available, gnomAD 0.006%). This variant has not been reported in the literature in individuals affected with PDSS2-related conditions. ClinVar contains an entry for this variant (Variation ID: 1966159). Invitae Evidence Modeling of protein sequence and biophysical properties (such as structural, functional, and spatial information, amino acid conservation, physicochemical variation, residue mobility, and thermodynamic stability) indicates that this missense variant is not expected to disrupt PDSS2 protein function with a negative predictive value of 80%. In summary, the available evidence is currently insufficient to determine the role of this variant in disease. Therefore, it has been classified as a Variant of Uncertain Significance.

NM_020381.4(PDSS2):c.764A>G (p.His255Arg)

Gene: PDSS2 (decaprenyl diphosphate synthase subunit 2; minus strand). Cytogenetic location: 6q21.
Variant type: single nucleotide variant.
Coding change: c.764A>G on transcript NM_020381.4 (MANE Select); coding-DNA position 764, A replaced by G.
Protein change: p.His255Arg; replaces histidine 255 with arginine.
Molecular consequence: missense variant.
Genome position (GRCh38, 1-based): chr6:107,212,221, T>C on the plus strand (A>G on the coding strand, the complement: PDSS2 is on the minus strand). VCF-style: chr6-107212221-T-C. GRCh37 (hg19) VCF-style: chr6-107533425-T-C.
Other names: short protein forms H255R.
Identifiers: ClinVar variation 1966159 (VCV001966159.5), dbSNP rs1455513843, ClinGen allele CA365322977.